The following is an entry in ClinVar:

ClinVar aggregate classification (germline): Uncertain significance (1 of 4 stars; one submission).

Conditions:
Singleton-Merten syndrome 1 (SGMRT1). Also called: Widened medullary cavities of bone, aortic calcification, abnormal dentition, and muscular weakness; Syndrome of widened medullary cavities of the metacarpals and phalanges, aortic calcification and abnormal dentition. Identifiers: Orphanet 85191, MedGen C4225427, MONDO:0024535, OMIM 182250.
Aicardi-Goutieres syndrome 7 (AGS7). Identifiers: Orphanet 51, MedGen C3888244, MONDO:0014367, OMIM 615846.

Submission:

Labcorp Genetics (formerly Invitae), Labcorp
Classification: Uncertain significance for Aicardi-Goutieres syndrome 7; Singleton-Merten syndrome 1. Last evaluated: 2022-04-06. Review status: criteria provided, single submitter. Criteria: Invitae Variant Classification Sherloc (09022015). Collection method: clinical testing. Allele origin: germline.
Comment: Algorithms developed to predict the effect of missense changes on protein structure and function are either unavailable or do not agree on the potential impact of this missense change (SIFT: "Deleterious"; PolyPhen-2: "Benign"; Align-GVGD: "Class C0"). This variant has not been reported in the literature in individuals affected with IFIH1-related conditions. This variant is not present in population databases (gnomAD no frequency). This sequence change replaces aspartic acid, which is acidic and polar, with glycine, which is neutral and non-polar, at codon 650 of the IFIH1 protein (p.Asp650Gly). In summary, the available evidence is currently insufficient to determine the role of this variant in disease. Therefore, it has been classified as a Variant of Uncertain Significance.

NM_022168.4(IFIH1):c.1949A>G (p.Asp650Gly)

Gene: IFIH1 (interferon induced with helicase C domain 1; minus strand). Cytogenetic location: 2q24.2.
Variant type: single nucleotide variant.
Coding change: c.1949A>G on transcript NM_022168.4 (MANE Select); coding-DNA position 1949, A replaced by G.
Protein change: p.Asp650Gly; replaces aspartic acid 650 with glycine.
Molecular consequence: missense variant.
Genome position (GRCh38, 1-based): chr2:162,277,510, T>C on the plus strand (A>G on the coding strand, the complement: IFIH1 is on the minus strand). VCF-style: chr2-162277510-T-C. GRCh37 (hg19) VCF-style: chr2-163134020-T-C.
Other names: short protein forms D650G.
Identifiers: ClinVar variation 1926866 (VCV001926866.5), dbSNP rs2468959278, ClinGen allele CA348998842.